The following is an entry in ClinVar:

ClinVar aggregate classification (germline): Conflicting classifications of pathogenicity. Review status: criteria provided, conflicting classifications (1 of 4 stars). 4 submissions from 4 submitters: Uncertain significance (3); Likely benign (1). Last evaluated 2026-06-01.

Conditions:
Developmental and epileptic encephalopathy, 11 (DEE11). Also called: Early infantile epileptic encephalopathy 11. Identifiers: Orphanet 1934, MedGen C3150987, MONDO:0013388, OMIM 613721.
Seizures, benign familial infantile, 3 (BFIS3). Also called: Familial neonatal seizures; CONVULSIONS, BENIGN FAMILIAL INFANTILE, 3. Identifiers: Orphanet 140927, Orphanet 306, MedGen C1843140, MONDO:0011904, OMIM 607745.

Allele frequency attached by ClinVar (database versions not stated): gnomAD exomes below 0.00001; TOPMed below 0.00001.
gnomAD v4.1: 1 of 1,614,086 alleles (0.000062%); highest among the groups gnomAD compares: Non-Finnish European, 0.000085%; no homozygotes.

Submissions (4):

CeGaT Center for Human Genetics Tuebingen
Classification: Uncertain significance. Last evaluated: 2026-06-01. Review status: criteria provided, single submitter. Criteria: CeGaT Center For Human Genetics Tuebingen Variant Classification Criteria Version 2. Collection method: clinical testing. Allele origin: germline. Affected: yes. Observed: 1 variant allele.
Comment: SCN2A: PM2, PP3

Centre for Medical Genetics,  Mumbai
Classification: Likely benign for Developmental and epileptic encephalopathy, 11. Last evaluated: 2026-02-19. Review status: criteria provided, single submitter. Criteria: ACMG Guidelines, 2015. Collection method: provider interpretation. Allele origin: germline. Inheritance: Autosomal dominant inheritance. Affected: no. Observed: 1 heterozygote.
Comment: The variant satisfies PM2 criteria; Extremely low frequency in gnomAD population databases. The variant satisfies PP2 criteria; Missense variant in a gene with low rate of benign missense mutations and for which missense mutation is a common mechanism of a disease. The variant satisfies PP3 criteria; For a missense or a splicing region variant, computational prediction tools unanimously support a deleterious effect on the gene. However, the variant satisfies BS2 criteria.

Labcorp Genetics (formerly Invitae), Labcorp
Classification: Uncertain significance for Seizures, benign familial infantile, 3; Developmental and epileptic encephalopathy, 11. Last evaluated: 2022-08-16. Review status: criteria provided, single submitter. Criteria: Invitae Variant Classification Sherloc (09022015). Collection method: clinical testing. Allele origin: germline.
Comment: This sequence change replaces tyrosine, which is neutral and polar, with histidine, which is basic and polar, at codon 1231 of the SCN2A protein (p.Tyr1231His). This variant is not present in population databases (gnomAD no frequency). This variant has not been reported in the literature in individuals affected with SCN2A-related conditions. ClinVar contains an entry for this variant (Variation ID: 445600). Algorithms developed to predict the effect of missense changes on protein structure and function are either unavailable or do not agree on the potential impact of this missense change (SIFT: "Deleterious"; PolyPhen-2: "Probably Damaging"; Align-GVGD: "Class C0"). In summary, the available evidence is currently insufficient to determine the role of this variant in disease. Therefore, it has been classified as a Variant of Uncertain Significance.

Center for Pediatric Genomic Medicine, Children's Mercy Hospital and Clinics
Classification: Uncertain significance. Last evaluated: 2017-09-14. Review status: criteria provided, single submitter. Criteria: ACMG Guidelines, 2015. Collection method: clinical testing. Allele origin: germline.

Literature cited by the submitters: PubMed 15028761 (cited by Centre for Medical Genetics,  Mumbai).

NM_001040142.2(SCN2A):c.3691T>C (p.Tyr1231His)

Gene: SCN2A (sodium voltage-gated channel alpha subunit 2; plus strand). Cytogenetic location: 2q24.3.
Variant type: single nucleotide variant.
Coding change: c.3691T>C on transcript NM_001040142.2 (MANE Select); coding-DNA position 3691, T replaced by C.
Protein change: p.Tyr1231His; replaces tyrosine 1231 with histidine.
Molecular consequence: missense variant.
Genome position (GRCh38, 1-based): chr2:165,370,141, T>C. VCF-style: chr2-165370141-T-C. GRCh37 (hg19) VCF-style: chr2-166226651-T-C.
Other names: c.3691T>C, p.Tyr1231His (NM_001040143.2, NM_001371246.1, NM_001371247.1 and 1 more transcripts); short protein forms Y1231H.
Identifiers: ClinVar variation 445600 (VCV000445600.12), dbSNP rs1298081979, ClinGen allele CA349027542.